The following is an entry in ClinVar:

ClinVar aggregate classification (germline): Benign (1 of 4 stars; one submission).

Allele frequency attached by ClinVar (database versions not stated): 1000 Genomes Project 30x 0.01280; 1000 Genomes Project 0.01338; TOPMed 0.02390; gnomAD 0.02752 and 0.02835.
gnomAD v4.1: 4,191 of 152,300 alleles (2.8%); highest among the groups gnomAD compares: Non-Finnish European, 3.8%; 82 homozygotes.

Submission:

GeneDx
Classification: Benign. Last evaluated: 2018-06-14. Review status: criteria provided, single submitter. Criteria: GeneDx Variant Classification (06012015). Collection method: clinical testing. Allele origin: germline. Affected: yes.
Comment: This variant is considered likely benign or benign based on one or more of the following criteria: it is a conservative change, it occurs at a poorly conserved position in the protein, it is predicted to be benign by multiple in silico algorithms, and/or has population frequency not consistent with disease.

NM_001148.6(ANK2):c.2178+266T>C

Gene: ANK2 (ankyrin 2; plus strand). Cytogenetic location: 4q26.
Variant type: single nucleotide variant.
Coding change: c.2178+266T>C on transcript NM_001148.6 (MANE Select); 266 bases into the intron after coding-DNA position 2178, T replaced by C.
Molecular consequence: intron variant.
Genome position (GRCh38, 1-based): chr4:113,287,969, T>C. VCF-style: chr4-113287969-T-C. GRCh37 (hg19) VCF-style: chr4-114209125-T-C.
Other names: c.2166+266T>C (NM_001386186.2, NM_001386148.2); c.1968+266T>C (NM_001354269.3); c.2142+266T>C (NM_001386187.2); c.2136+266T>C (NM_001386147.1, NM_001386160.1, NM_001354261.2); c.2115+266T>C (NM_001354254.2, NM_001354239.2, NM_001354252.2 and 10 more transcripts); c.2016+266T>C (NM_001354253.2, NM_001354270.2, NM_001354257.2 and 1 more transcripts); c.2091+266T>C (NM_001354249.2, NM_001354266.2, NM_001354276.2 and 10 more transcripts); c.1992+266T>C (NM_001386151.1, NM_001354260.2, NM_001354271.2); and 8 more.
Identifiers: ClinVar variation 671609 (VCV000671609.1), dbSNP rs29361, ClinGen allele CA103792462.